The following is an entry in ClinVar:

NM_014003.4(DHX38):c.764+6G>A

Gene: DHX38 (DEAH-box helicase 38; plus strand). Cytogenetic location: 16q22.2.
Variant type: single nucleotide variant.
Coding change: c.764+6G>A on transcript NM_014003.4 (MANE Select); 6 bases into the intron after coding-DNA position 764, G replaced by A.
Molecular consequence: intron variant.
Genome position (GRCh38, 1-based): chr16:72,098,798, G>A. VCF-style: chr16-72098798-G-A. GRCh37 (hg19) VCF-style: chr16-72132697-G-A.
Identifiers: ClinVar variation 953424 (VCV000953424.7), dbSNP rs751838235, ClinGen allele CA8160062.

ClinVar aggregate classification (germline): Uncertain significance (1 of 4 stars; one submission).

Allele frequency attached by ClinVar (database versions not stated): gnomAD exomes below 0.00001; ExAC 0.00001.
gnomAD v4.1: 2 of 1,614,044 alleles (0.00012%); highest among the groups gnomAD compares: Non-Finnish European, 0.00017%; no homozygotes.

Submission:

Labcorp Genetics (formerly Invitae), Labcorp
Classification: Uncertain significance. Last evaluated: 2020-03-15. Review status: criteria provided, single submitter. Criteria: Invitae Variant Classification Sherloc (09022015). Collection method: clinical testing. Allele origin: germline.
Comment: Nucleotide substitutions within the consensus splice site are a relatively common cause of aberrant splicing (PMID: 17576681, 9536098). Algorithms developed to predict the effect of sequence changes on RNA splicing suggest that this variant may disrupt the consensus splice site, but this prediction has not been confirmed by published transcriptional studies. This variant has not been reported in the literature in individuals with DHX38-related conditions. This variant is present in population databases (rs751838235, ExAC 0.002%). This sequence change falls in intron 5 of the DHX38 gene. It does not directly change the encoded amino acid sequence of the DHX38 protein, but it affects a nucleotide within the consensus splice site of the intron. In summary, the available evidence is currently insufficient to determine the role of this variant in disease. Therefore, it has been classified as a Variant of Uncertain Significance.

Literature cited by the submitters: PubMed 17576681; PubMed 9536098.